The following is an entry in ClinVar:

ClinVar aggregate classification (germline): Conflicting classifications of pathogenicity. Review status: criteria provided, conflicting classifications (1 of 4 stars). 4 submissions from 4 submitters: Uncertain significance (1); Likely benign (2). 1 of the submissions does not count toward it. Last evaluated 2026-04-01.

Conditions:
Abnormal corpus callosum morphology. Also called: Abnormality of the corpus callosum; Corpus callosum abnormalities. Identifiers: MedGen C1842581, HP:0001273.
MACF1-related disorder. Also called: MACF1-related condition.

Allele frequency attached by ClinVar (database versions not stated): 1000 Genomes Project 30x 0.00031; 1000 Genomes Project 0.00040; gnomAD exomes 0.00225 and 0.00386; ExAC 0.00246; gnomAD 0.00263 and 0.00290; TOPMed 0.00296; ESP Exome Variant Server 0.00323.
gnomAD v4.1: 6,030 of 1,614,186 alleles (0.37%); highest among the groups gnomAD compares: Non-Finnish European, 0.46%; 17 homozygotes.

Submissions (4):

CeGaT Center for Human Genetics Tuebingen
Classification: Likely benign. Last evaluated: 2026-04-01. Review status: criteria provided, single submitter. Criteria: CeGaT Center For Human Genetics Tuebingen Variant Classification Criteria Version 2. Collection method: clinical testing. Allele origin: germline. Affected: yes. Observed: 9 variant alleles.
Comment: MACF1: BS2

Labcorp Genetics (formerly Invitae), Labcorp
Classification: Likely benign. Last evaluated: 2026-01-19. Review status: criteria provided, single submitter. Criteria: Invitae Variant Classification Sherloc (09022015). Collection method: clinical testing. Allele origin: germline.

Lupski Lab, Baylor-Hopkins CMG, Baylor College of Medicine
Classification: Uncertain significance for Abnormal corpus callosum morphology. Last evaluated: 2017-09-01. Review status: criteria provided, single submitter. Criteria: Wiszniewski et al. (Eur J Hum Genet. 2018). Collection method: research. Allele origin: inherited, unknown. Inheritance: Autosomal recessive inheritance. Affected: yes and no. Observed: 2 variant alleles.

PreventionGenetics, part of Exact Sciences
Classification: Benign for MACF1-related condition. Last evaluated: 2024-07-11. Review status: no assertion criteria provided. Collection method: clinical testing. Allele origin: germline. Not counted in ClinVar's aggregate classification.
Comment: This variant is classified as benign based on ACMG/AMP sequence variant interpretation guidelines (Richards et al. 2015 PMID: 25741868, with internal and published modifications).

NM_001394062.1(MACF1):c.22506T>G (p.Phe7502Leu)

Gene: MACF1 (microtubule actin crosslinking factor 1; plus strand). Cytogenetic location: 1p34.3.
Variant type: single nucleotide variant.
Coding change: c.22506T>G on transcript NM_001394062.1 (MANE Select); coding-DNA position 22506, T replaced by G.
Protein change: p.Phe7502Leu; replaces phenylalanine 7502 with leucine.
Molecular consequence: missense variant.
Genome position (GRCh38, 1-based): chr1:39,485,632, T>G. VCF-style: chr1-39485632-T-G. GRCh37 (hg19) VCF-style: chr1-39951304-T-G.
Other names: c.16131T>G, p.Phe5377Leu (NM_012090.5); short protein forms F5377L, F7502L.
Identifiers: ClinVar variation 438598 (VCV000438598.32), dbSNP rs138819868, ClinGen allele CA784938.